The following is an entry in ClinVar:

ClinVar aggregate classification (germline): Pathogenic (1 of 4 stars; one submission).

Conditions:
Ehlers-Danlos syndrome due to tenascin-X deficiency (EDSCLL1). Also called: EDS DUE TO TNX DEFICIENCY; TNX DEFICIENCY; Ehlers-Danlos syndrome, classic-like, 1; EHLERS-DANLOS SYNDROME, CLASSIC-LIKE; TNXB-Related Classical-Like Ehlers-Danlos Syndrome. Identifiers: Orphanet 230839, MedGen C1848029, MONDO:0011670, OMIM 606408.

Submission:

Myriad Genetics, Inc.
Classification: Pathogenic for Ehlers-Danlos syndrome due to tenascin-X deficiency. Last evaluated: 2026-03-25. Review status: criteria provided, single submitter. Criteria: Myriad Autosomal Dominant, Autosomal Recessive and X-Linked Classification Criteria (2023). Collection method: clinical testing. Allele origin: unknown.
Comment: NM_019105.6(TNXB):c.4111delG(E1371Rfs*8) is expected to be pathogenic in the context of classical-like Ehlers-Danlos syndrome, TNXB-related. This variant is predicted to lead to an abnormal or absent protein product due to the creation of a premature termination codon in TNXB, a gene where loss-of-function variants are known to be pathogenic. Please note: this variant was assessed in the context of healthy population screening.

NM_001365276.2(TNXB):c.4111del (p.Glu1371fs)

Gene: TNXB (tenascin XB; minus strand). Cytogenetic location: 6p21.33.
Variant type: Deletion.
Coding change: c.4111del on transcript NM_001365276.2 (MANE Select); coding-DNA position 4111, one base deleted (G; older notation c.4111delG).
Protein change: p.Glu1371fs; shifts the reading frame from glutamic acid 1371.
Molecular consequence: frameshift variant.
Genome position (GRCh38, 1-based): chr6:32,079,297, C deleted on the plus strand (G on the coding strand, the reverse complement: TNXB is on the minus strand). VCF-style (leftmost placement, unchanged base first): chr6-32079296-TC-T. GRCh37 (hg19) VCF-style: chr6-32047073-TC-T.
Other names: c.4852del, p.Glu1618fs (NM_001428335.1); c.4111del, p.Glu1371fs (NM_019105.8); short protein forms E1371fs, E1618fs.
Identifiers: ClinVar variation 5015729 (VCV005015729.1).